The following is an entry in ClinVar:

ClinVar aggregate classification (germline): Conflicting classifications of pathogenicity. Review status: criteria provided, conflicting classifications (1 of 4 stars). 4 submissions from 4 submitters: Likely pathogenic (2); Uncertain significance (2). Last evaluated 2026-03-20.

Conditions:
Inborn genetic diseases. Identifiers: MedGen C0950123, MeSH D030342.
Intellectual developmental disorder, X-linked 1. Also called: MENTAL RETARDATION, X-LINKED 18; MENTAL RETARDATION, X-LINKED 78; Intellectual disability, X-linked 1; Atkin Flaitz Patil Smith syndrome. Identifiers: Orphanet 777, MedGen C2931498, MONDO:0010656, OMIM 309530.

Submissions (4):

GeneDx
Classification: Likely pathogenic. Last evaluated: 2026-03-20. Review status: criteria provided, single submitter. Criteria: GeneDx Variant Classification Process June 2021. Collection method: clinical testing. Allele origin: germline.
Comment: Not observed at significant frequency in large population cohorts (gnomAD); In silico analysis supports that this missense variant has a deleterious effect on protein structure/function; This variant is associated with the following publications: (PMID: 20473311, 35347702)

Ambry Genetics
Classification: Likely pathogenic for Inborn genetic diseases. Last evaluated: 2026-02-24. Review status: criteria provided, single submitter. Criteria: Ambry Variant Classification Scheme 2023. Collection method: clinical testing. Allele origin: germline.
Comment: The c.2909G>A (p.R970H) alteration is located in coding exon 10 of the IQSEC2 gene. This alteration results from a G to A substitution at nucleotide position 2909, causing the arginine (R) at amino acid position 970 to be replaced by a histidine (H). This variant was not reported in population-based cohorts in the Genome Aggregation Database (gnomAD). This variant was determined to be de novo in at least one individual with features consistent with IQSEC2-related neurodevelopmental disorder (external communication). This amino acid position is highly conserved in available vertebrate species. This missense alteration is located in a region that has a low rate of benign missense variation (Lek, 2016; Firth, 2009). The p.R970 amino acid is located in the pleckstrin homology domain (Shoubridge, 2022). This alteration is predicted to be deleterious by in silico analysis. Based on the available evidence, this alteration is classified as likely pathogenic.

Labcorp Genetics (formerly Invitae), Labcorp
Classification: Uncertain significance for Intellectual developmental disorder, X-linked 1. Last evaluated: 2018-07-16. Review status: criteria provided, single submitter. Criteria: Invitae Variant Classification Sherloc (09022015). Collection method: clinical testing. Allele origin: germline.
Comment: In summary, the available evidence is currently insufficient to determine the role of this variant in disease. Therefore, it has been classified as a Variant of Uncertain Significance. Algorithms developed to predict the effect of missense changes on protein structure and function are either unavailable or do not agree on the potential impact of this missense change (SIFT: "Deleterious"; PolyPhen-2: "Probably Damaging"; Align-GVGD: "Class C0"). This variant has not been reported in the literature in individuals with IQSEC2-related disease. ClinVar contains an entry for this variant (Variation ID: 538607). This variant is not present in population databases (ExAC no frequency). This sequence change replaces arginine with histidine at codon 970 of the IQSEC2 protein (p.Arg970His). The arginine residue is highly conserved and there is a small physicochemical difference between arginine and histidine.

CeGaT Center for Human Genetics Tuebingen
Classification: Uncertain significance. Last evaluated: 2018-06-01. Review status: criteria provided, single submitter. Criteria: CeGaT Center For Human Genetics Tuebingen Variant Classification Criteria Version 2. Collection method: clinical testing. Allele origin: germline. Affected: yes. Observed: 4 variant alleles.

Literature cited by the submitters: PubMed 35347702 (cited by Ambry Genetics).

NM_001111125.3(IQSEC2):c.2909G>A (p.Arg970His)

Gene: IQSEC2 (IQ motif and Sec7 domain ArfGEF 2; minus strand). Cytogenetic location: Xp11.22.
Variant type: single nucleotide variant.
Coding change: c.2909G>A on transcript NM_001111125.3 (MANE Select); coding-DNA position 2909, G replaced by A.
Protein change: p.Arg970His; replaces arginine 970 with histidine.
Molecular consequence: missense variant.
Genome position (GRCh38, 1-based): chrX:53,241,890, C>T on the plus strand (G>A on the coding strand, the complement: IQSEC2 is on the minus strand). VCF-style: chrX-53241890-C-T. GRCh37 (hg19) VCF-style: chrX-53271072-C-T.
Other names: c.2294G>A, p.Arg765His (NM_015075.2); c.2909G>A (NM_001111125.1); short protein forms R970H, R765H.
Identifiers: ClinVar variation 538607 (VCV000538607.55), dbSNP rs1556860937, ClinGen allele CA413149676.